The following is an entry in ClinVar:

NM_000465.4(BARD1):c.1813A>G (p.Thr605Ala)

Gene: BARD1 (BRCA1 associated RING domain 1; minus strand). Cytogenetic location: 2q35.
Variant type: single nucleotide variant.
Coding change: c.1813A>G on transcript NM_000465.4 (MANE Select); coding-DNA position 1813, A replaced by G.
Protein change: p.Thr605Ala; replaces threonine 605 with alanine.
Molecular consequence: missense variant. On other transcripts: non-coding transcript variant (3), intron variant (1).
Genome position (GRCh38, 1-based): chr2:214,745,157, T>C on the plus strand (A>G on the coding strand, the complement: BARD1 is on the minus strand). VCF-style: chr2-214745157-T-C. GRCh37 (hg19) VCF-style: chr2-215609881-T-C.
Other names: c.1756A>G, p.Thr586Ala (NM_001282543.2); c.460A>G, p.Thr154Ala (NM_001282545.2); c.403A>G, p.Thr135Ala (NM_001282548.2); c.365-14649A>G (NM_001282549.2); c.1813A>G (NM_000465.2); short protein forms T586A, T154A, T135A, T605A.
Identifiers: ClinVar variation 948877 (VCV000948877.12), dbSNP rs1693043933, ClinGen allele CA350452382.

ClinVar aggregate classification (germline): Uncertain significance. Review status: criteria provided, multiple submitters, no conflicts (2 of 4 stars). 3 submissions from 3 submitters: Uncertain significance (3). Last evaluated 2025-01-14.

Conditions:
Hereditary cancer-predisposing syndrome. Also called: Hereditary neoplastic syndrome; Neoplastic Syndromes, Hereditary; Tumor predisposition; Hereditary Cancer Syndrome. Identifiers: Orphanet 140162, MedGen C0027672, MeSH D009386, MONDO:0015356.
Familial cancer of breast. Also called: Hereditary breast cancer; hereditary breast carcinoma; BREAST CANCER, FAMILIAL. Identifiers: Orphanet 227535, MedGen C0346153, MONDO:0016419, OMIM 114480. Disease mechanism: loss of function.

Allele frequency attached by ClinVar (database versions not stated): gnomAD exomes below 0.00001.
gnomAD v4.1: 1 of 1,613,282 alleles (0.000062%); highest among the groups gnomAD compares: Non-Finnish European, 0.000085%; no homozygotes.

Submissions (3):

Ambry Genetics
Classification: Uncertain significance for Hereditary cancer-predisposing syndrome. Last evaluated: 2025-01-14. Review status: criteria provided, single submitter. Criteria: Ambry Variant Classification Scheme 2023. Collection method: clinical testing. Allele origin: germline.
Comment: The c.1813A>G variant (also known as p.T605A), located in coding exon 9 of the BARD1 gene, results from an A to G substitution at nucleotide position 1813. The threonine at codon 605 is replaced by alanine, an amino acid with similar properties. This nucleotide position is highly conserved in available vertebrate species. In silico splice site analysis predicts that this alteration will result in the creation or strengthening of a novel splice acceptor site. Based on the available evidence, the clinical significance of this variant remains unclear.

Color Diagnostics, LLC DBA Color Health
Classification: Uncertain significance for Hereditary cancer-predisposing syndrome. Last evaluated: 2024-03-24. Review status: criteria provided, single submitter. Criteria: ACMG Guidelines, 2015. Collection method: clinical testing. Allele origin: germline.
Comment: This missense variant replaces threonine with alanine at codon 605 of the BARD1 protein. Computational prediction is inconclusive regarding the impact of this variant on protein structure and function (internally defined REVEL score threshold 0.5 < inconclusive < 0.7, PMID: 27666373). To our knowledge, functional studies have not been reported for this variant. This variant has not been reported in individuals affected with BARD1-related disorders in the literature. This variant has not been identified in the general population by the Genome Aggregation Database (gnomAD). The available evidence is insufficient to determine the role of this variant in disease conclusively. Therefore, this variant is classified as a Variant of Uncertain Significance.

Labcorp Genetics (formerly Invitae), Labcorp
Classification: Uncertain significance for Familial cancer of breast. Last evaluated: 2020-06-13. Review status: criteria provided, single submitter. Criteria: Invitae Variant Classification Sherloc (09022015). Collection method: clinical testing. Allele origin: germline.
Comment: Algorithms developed to predict the effect of sequence changes on RNA splicing suggest that this variant may create or strengthen a splice site, but this prediction has not been confirmed by published transcriptional studies. In summary, the available evidence is currently insufficient to determine the role of this variant in disease. Therefore, it has been classified as a Variant of Uncertain Significance. Algorithms developed to predict the effect of missense changes on protein structure and function are either unavailable or do not agree on the potential impact of this missense change (SIFT: "Deleterious"; PolyPhen-2: "Possibly Damaging"; Align-GVGD: "Class C0"). This sequence change replaces threonine with alanine at codon 605 of the BARD1 protein (p.Thr605Ala). The threonine residue is highly conserved and there is a small physicochemical difference between threonine and alanine. This variant is not present in population databases (ExAC no frequency). This variant has not been reported in the literature in individuals with BARD1-related conditions.